The following is an entry in ClinVar:

ClinVar aggregate classification (germline): Uncertain significance. Review status: criteria provided, multiple submitters, no conflicts (2 of 4 stars). 3 submissions from 3 submitters: Uncertain significance (3). Last evaluated 2026-01-22.

Conditions:
Epidermolysis bullosa simplex 5B, with muscular dystrophy (EBS5B). Also called: EPIDERMOLYSIS BULLOSA SIMPLEX AND LIMB-GIRDLE MUSCULAR DYSTROPHY; Epidermolysis bullosa simplex with muscular dystrophy. Identifiers: Orphanet 257, MedGen C2931072, MONDO:0009181, OMIM 226670.
Epidermolysis bullosa simplex 5C, with pyloric atresia (EBS5C). Also called: Epidermolysis bullosa simplex with pyloric atresia; PLEC-Related Epidermolysis Bullosa with Pyloric Atresia; PLEC1-Related Epidermolysis Bullosa with Pyloric Atresia. Identifiers: Orphanet 158684, MedGen C2677349, MONDO:0012807, OMIM 612138.
Autosomal recessive limb-girdle muscular dystrophy type 2Q (LGMDR17). Also called: MUSCULAR DYSTROPHY, LIMB-GIRDLE, AUTOSOMAL RECESSIVE 17. Identifiers: Orphanet 254361, MedGen C3150989, MONDO:0013390, OMIM 613723.
Epidermolysis bullosa simplex with nail dystrophy (EBS5D). Identifiers: MedGen C4225309, MONDO:0014661, OMIM 616487.
Epidermolysis bullosa simplex, Ogna type (EBS5A). Also called: Pidermolysis bullosa simplex 5A, Ogna type; EPIDERMOLYSIS BULLOSA SIMPLEX 5A, OGNA TYPE. Identifiers: Orphanet 79401, MedGen C0432317, MONDO:0007555, OMIM 131950.

Allele frequency attached by ClinVar (database versions not stated): TOPMed 0.00004; gnomAD 0.00005; gnomAD exomes 0.00006 and 0.00010; ExAC 0.00013; 1000 Genomes Project 30x 0.00016.
gnomAD v4.1: 96 of 1,611,034 alleles (0.006%); highest among the groups gnomAD compares: East Asian, 0.031%; no homozygotes.

Submissions (3):

Labcorp Genetics (formerly Invitae), Labcorp
Classification: Uncertain significance for Autosomal recessive limb-girdle muscular dystrophy type 2Q; Epidermolysis bullosa simplex, Ogna type; Epidermolysis bullosa simplex with nail dystrophy; Epidermolysis bullosa simplex 5C, with pyloric atresia; Epidermolysis bullosa simplex 5B, with muscular dystrophy. Last evaluated: 2026-01-22. Review status: criteria provided, single submitter. Criteria: Invitae Variant Classification Sherloc (09022015). Collection method: clinical testing. Allele origin: germline.
Comment: This sequence change replaces alanine, which is neutral and non-polar, with valine, which is neutral and non-polar, at codon 580 of the PLEC protein (p.Ala580Val). This variant is present in population databases (rs745403009, gnomAD 0.08%). This variant has not been reported in the literature in individuals affected with PLEC-related conditions. ClinVar contains an entry for this variant (Variation ID: 1045775). Invitae Evidence Modeling of protein sequence and biophysical properties (such as structural, functional, and spatial information, amino acid conservation, physicochemical variation, residue mobility, and thermodynamic stability) indicates that this missense variant is not expected to disrupt PLEC protein function with a negative predictive value of 80%. In summary, the available evidence is currently insufficient to determine the role of this variant in disease. Therefore, it has been classified as a Variant of Uncertain Significance.

Mayo Clinic Laboratories, Mayo Clinic
Classification: Uncertain significance. Last evaluated: 2022-11-30. Review status: criteria provided, single submitter. Criteria: ACMG Guidelines, 2015. Collection method: clinical testing. Allele origin: germline. Observed: 1 variant allele.
Comment: PM2

Revvity Omics, Revvity
Classification: Uncertain significance. Last evaluated: 2019-03-15. Review status: criteria provided, single submitter. Criteria: ACMG Guidelines, 2015. Collection method: clinical testing. Allele origin: germline.

NM_201384.3(PLEC):c.1658C>T (p.Ala553Val)

Gene: PLEC (plectin; minus strand). Cytogenetic location: 8q24.3.
Variant type: single nucleotide variant.
Coding change: c.1658C>T on transcript NM_201384.3 (MANE Select); coding-DNA position 1658, C replaced by T.
Protein change: p.Ala553Val; replaces alanine 553 with valine.
Molecular consequence: missense variant.
Genome position (GRCh38, 1-based): chr8:143,932,872, G>A on the plus strand (C>T on the coding strand, the complement: PLEC is on the minus strand). VCF-style: chr8-143932872-G-A. GRCh37 (hg19) VCF-style: chr8-145007040-G-A.
Other names: p.Ala580Val; c.1739C>T (NM_000445.3, NM_000445.4); c.1739C>T, p.Ala580Val (NM_000445.5); c.1616C>T, p.Ala539Val (NM_201378.4); c.1592C>T, p.Ala531Val (NM_201379.3); c.2069C>T, p.Ala690Val (NM_201380.4); c.1562C>T, p.Ala521Val (NM_201381.3); c.1658C>T, p.Ala553Val (NM_201382.4); and 1 more; short protein forms A553V, A557V, A521V, A531V, A539V, A580V, A690V.
Identifiers: ClinVar variation 1045775 (VCV001045775.8), dbSNP rs745403009, ClinGen allele CA4927904.